The following is an entry in ClinVar:

NM_003476.5(CSRP3):c.116C>A (p.Ala39Asp)

Gene: CSRP3 (cysteine and glycine rich protein 3; minus strand). Cytogenetic location: 11p15.1.
Variant type: single nucleotide variant.
Coding change: c.116C>A on transcript NM_003476.5 (MANE Select); coding-DNA position 116, C replaced by A.
Protein change: p.Ala39Asp; replaces alanine 39 with aspartic acid.
Molecular consequence: missense variant. On other transcripts: intron variant (1).
Genome position (GRCh38, 1-based): chr11:19,188,301, G>T on the plus strand (C>A on the coding strand, the complement: CSRP3 is on the minus strand). VCF-style: chr11-19188301-G-T. GRCh37 (hg19) VCF-style: chr11-19209848-G-T.
Other names: p.A39D:GCC>GAC; c.116C>A (LRG_440t1); c.113-1953C>A (NM_001369404.1); short protein forms A39D.
Identifiers: ClinVar variation 201693 (VCV000201693.11), dbSNP rs748417030, ClinGen allele CA335103.

ClinVar aggregate classification (germline): Uncertain significance. Review status: criteria provided, multiple submitters, no conflicts (2 of 4 stars). 3 submissions from 3 submitters: Uncertain significance (3). Last evaluated 2023-07-01.

Conditions:
Cardiovascular phenotype. Identifiers: MedGen CN230736.
Hypertrophic cardiomyopathy 12. Identifiers: MedGen C2677491, MONDO:0012804, OMIM 612124.
Dilated cardiomyopathy 1M (CMD1M). Identifiers: Orphanet 154, MedGen C1843808, MONDO:0011840, OMIM 607482.

gnomAD v4.1: 14 of 1,612,246 alleles (0.00087%); highest among the groups gnomAD compares: Non-Finnish European, 0.0011%; no homozygotes.

Submissions (3):

Ambry Genetics
Classification: Uncertain significance for Cardiovascular phenotype. Last evaluated: 2023-07-01. Review status: criteria provided, single submitter. Criteria: Ambry Variant Classification Scheme 2023. Collection method: clinical testing. Allele origin: germline.
Comment: The p.A39D variant (also known as c.116C>A), located in coding exon 2 of the CSRP3 gene, results from a C to A substitution at nucleotide position 116. The alanine at codon 39 is replaced by aspartic acid, an amino acid with dissimilar properties. This amino acid position is not well conserved in available vertebrate species. In addition, the in silico prediction for this alteration is inconclusive. Since supporting evidence is limited at this time, the clinical significance of this alteration remains unclear.

Labcorp Genetics (formerly Invitae), Labcorp
Classification: Uncertain significance for Hypertrophic cardiomyopathy 12; Dilated cardiomyopathy 1M. Last evaluated: 2023-05-19. Review status: criteria provided, single submitter. Criteria: Invitae Variant Classification Sherloc (09022015). Collection method: clinical testing. Allele origin: germline.
Comment: In summary, the available evidence is currently insufficient to determine the role of this variant in disease. Therefore, it has been classified as a Variant of Uncertain Significance. An algorithm developed to predict the effect of missense changes on protein structure and function (PolyPhen-2) suggests that this variant is likely to be tolerated. ClinVar contains an entry for this variant (Variation ID: 201693). This variant has not been reported in the literature in individuals affected with CSRP3-related conditions. This variant is not present in population databases (gnomAD no frequency). This sequence change replaces alanine, which is neutral and non-polar, with aspartic acid, which is acidic and polar, at codon 39 of the CSRP3 protein (p.Ala39Asp).

GeneDx
Classification: Uncertain significance. Last evaluated: 2012-11-30. Review status: criteria provided, single submitter. Criteria: GeneDx Variant Classification (06012015). Collection method: clinical testing. Allele origin: germline. Affected: yes.
Comment: p.Ala39Asp (GCC>GAC):c.116 C>A in exon 3 of the CSRP3 gene (NM_003476.3). The Ala39Asp variant in the CSRP3 gene has not been reported as a disease-causing mutation or as a benign polymorphism to our knowledge. Ala39Asp results in a non-conservative amino acid substitution of a neutral non-polar Alanine with a negatively charged Aspartic acid at a residue that is conserved across species. Mutations in a nearby residues (Leu44Pro, Ser46Arg) have been reported in association with HCM. The NHLBI ESP Exome Variant Server reports Ala39Asp was not observed in approximately 6,500 samples from individuals of European and African American backgrounds, indicating it is not a common benign variant in these populations.With the clinical and molecular information available at this time, we cannot definitively determine if Ala39Asp is a disease-causing mutation or a rare benign variant. The variant is found in DCM panel(s).